The following is an entry in ClinVar:

ClinVar aggregate classification (germline): Likely benign (1 of 4 stars; one submission).

gnomAD v4.1: 277 of 1,209,364 alleles (0.023%); highest among the groups gnomAD compares: Non-Finnish European, 0.029%; no homozygotes.

Submission:

CeGaT Center for Human Genetics Tuebingen
Classification: Likely benign. Last evaluated: 2026-01-01. Review status: criteria provided, single submitter. Criteria: CeGaT Center For Human Genetics Tuebingen Variant Classification Criteria Version 2. Collection method: clinical testing. Allele origin: germline. Affected: yes. Observed: 3 variant alleles.
Comment: SLITRK2: BS2

NM_032539.5(SLITRK2):c.2219C>T (p.Thr740Ile)

Gene: SLITRK2 (SLIT and NTRK like family member 2; plus strand). Cytogenetic location: Xq27.3.
Variant type: single nucleotide variant.
Coding change: c.2219C>T on transcript NM_032539.5 (MANE Select); coding-DNA position 2219, C replaced by T.
Protein change: p.Thr740Ile; replaces threonine 740 with isoleucine.
Molecular consequence: missense variant.
Genome position (GRCh38, 1-based): chrX:145,824,644, C>T. VCF-style: chrX-145824644-C-T. GRCh37 (hg19) VCF-style: chrX-144906162-C-T.
Other names: c.2219C>T, p.Thr740Ile (NM_001144003.3, NM_001144004.3, NM_001144005.3 and 4 more transcripts); short protein forms T740I.
Identifiers: ClinVar variation 4084015 (VCV004084015.8).